The following is an entry in ClinVar:

ClinVar aggregate classification (germline): Uncertain significance (1 of 4 stars; one submission).

Conditions:
Pyruvate dehydrogenase E1-beta deficiency (PDHBD). Identifiers: Orphanet 255138, Orphanet 765, MedGen C3279841, MONDO:0013580, OMIM 614111.

Allele frequency attached by ClinVar (database versions not stated): gnomAD exomes below 0.00001; ExAC 0.00001; gnomAD 0.00001; TOPMed 0.00001.

Submission:

Labcorp Genetics (formerly Invitae), Labcorp
Classification: Uncertain significance for Pyruvate dehydrogenase E1-beta deficiency. Last evaluated: 2024-11-05. Review status: criteria provided, single submitter. Criteria: Invitae Variant Classification Sherloc (09022015). Collection method: clinical testing. Allele origin: germline.
Comment: This sequence change replaces asparagine, which is neutral and polar, with serine, which is neutral and polar, at codon 148 of the PDHB protein (p.Asn148Ser). This variant is present in population databases (rs768663547, gnomAD 0.003%). This variant has not been reported in the literature in individuals affected with PDHB-related conditions. ClinVar contains an entry for this variant (Variation ID: 2047940). Invitae Evidence Modeling of protein sequence and biophysical properties (such as structural, functional, and spatial information, amino acid conservation, physicochemical variation, residue mobility, and thermodynamic stability) indicates that this missense variant is expected to disrupt PDHB protein function with a positive predictive value of 80%. In summary, the available evidence is currently insufficient to determine the role of this variant in disease. Therefore, it has been classified as a Variant of Uncertain Significance.

NM_000925.4(PDHB):c.443A>G (p.Asn148Ser)

Gene: PDHB (pyruvate dehydrogenase E1 subunit beta; minus strand). Cytogenetic location: 3p14.3.
Variant type: single nucleotide variant.
Coding change: c.443A>G on transcript NM_000925.4 (MANE Select); coding-DNA position 443, A replaced by G.
Protein change: p.Asn148Ser; replaces asparagine 148 with serine.
Molecular consequence: missense variant. On other transcripts: non-coding transcript variant (1), intron variant (1).
Genome position (GRCh38, 1-based): chr3:58,430,803, T>C on the plus strand (A>G on the coding strand, the complement: PDHB is on the minus strand). VCF-style: chr3-58430803-T-C. GRCh37 (hg19) VCF-style: chr3-58416530-T-C.
Other names: c.389A>G, p.Asn130Ser (NM_001315536.2); c.404-15A>G (NM_001173468.2); short protein forms N130S, N148S.
Identifiers: ClinVar variation 2047940 (VCV002047940.4), dbSNP rs768663547, ClinGen allele CA2471556.